The following is an entry in ClinVar:

NM_206933.4(USH2A):c.4842G>C (p.Arg1614Ser)

Gene: USH2A (usherin; minus strand). Cytogenetic location: 1q41.
Variant type: single nucleotide variant.
Coding change: c.4842G>C on transcript NM_206933.4 (MANE Select); coding-DNA position 4842, G replaced by C.
Protein change: p.Arg1614Ser; replaces arginine 1614 with serine.
Molecular consequence: missense variant.
Genome position (GRCh38, 1-based): chr1:216,089,056, C>G on the plus strand (G>C on the coding strand, the complement: USH2A is on the minus strand). VCF-style: chr1-216089056-C-G. GRCh37 (hg19) VCF-style: chr1-216262398-C-G.
Other names: short protein forms R1614S.
Identifiers: ClinVar variation 864726 (VCV000864726.9), dbSNP rs2032220342, ClinGen allele CA344860684.

ClinVar aggregate classification (germline): Uncertain significance (1 of 4 stars; one submission).

Allele frequency attached by ClinVar (database versions not stated): TOPMed below 0.00001.
gnomAD v4.1: 1 of 1,613,454 alleles (0.000062%); highest among the groups gnomAD compares: Non-Finnish European, 0.000085%; no homozygotes.

Submission:

Labcorp Genetics (formerly Invitae), Labcorp
Classification: Uncertain significance. Last evaluated: 2020-10-01. Review status: criteria provided, single submitter. Criteria: Invitae Variant Classification Sherloc (09022015). Collection method: clinical testing. Allele origin: germline.
Comment: This sequence change replaces arginine with serine at codon 1614 of the USH2A protein (p.Arg1614Ser). The arginine residue is highly conserved and there is a moderate physicochemical difference between arginine and serine. This variant is not present in population databases (ExAC no frequency). This variant has not been reported in the literature in individuals with USH2A-related conditions. Algorithms developed to predict the effect of missense changes on protein structure and function (SIFT, PolyPhen-2, Align-GVGD) all suggest that this variant is likely to be disruptive, but these predictions have not been confirmed by published functional studies and their clinical significance is uncertain. In summary, the available evidence is currently insufficient to determine the role of this variant in disease. Therefore, it has been classified as a Variant of Uncertain Significance.